The following is an entry in ClinVar:

ClinVar aggregate classification (germline): Conflicting classifications of pathogenicity. Review status: criteria provided, conflicting classifications (1 of 4 stars). 8 submissions from 8 submitters: Uncertain significance (1); Benign (2); Likely benign (4). 1 of the submissions does not count toward it. Last evaluated 2026-07-01.

Conditions:
Connective tissue disorder. Also called: Connective tissue disease. Identifiers: MedGen C0009782, MONDO:0003900.
COL11A2-related disorder. Also called: COL11A2-related condition; COL11A2-related disorders.

Allele frequency attached by ClinVar (database versions not stated): ESP Exome Variant Server 0.00012; gnomAD 0.00018 and 0.00039; TOPMed 0.00021; gnomAD exomes 0.00073 and 0.00127; 1000 Genomes Project 0.00080; 1000 Genomes Project 30x 0.00094; ExAC 0.00157.
gnomAD v4.1: 1,112 of 1,612,408 alleles (0.069%); highest among the groups gnomAD compares: South Asian, 0.85%; 18 homozygotes.

Submissions (8):

CeGaT Center for Human Genetics Tuebingen
Classification: Likely benign. Last evaluated: 2026-07-01. Review status: criteria provided, single submitter. Criteria: CeGaT Center For Human Genetics Tuebingen Variant Classification Criteria Version 2. Collection method: clinical testing. Allele origin: germline. Affected: yes. Observed: 1 variant allele.
Comment: COL11A2: BP4, BS2

Labcorp Genetics (formerly Invitae), Labcorp
Classification: Benign. Last evaluated: 2026-02-02. Review status: criteria provided, single submitter. Criteria: Invitae Variant Classification Sherloc (09022015). Collection method: clinical testing. Allele origin: germline.

GeneDx
Classification: Likely benign. Last evaluated: 2021-06-24. Review status: criteria provided, single submitter. Criteria: GeneDx Variant Classification Process June 2021. Collection method: clinical testing. Allele origin: germline. Affected: yes.

Genome Diagnostics Laboratory, The Hospital for Sick Children
Classification: Likely benign for Connective tissue disorder. Last evaluated: 2019-12-01. Review status: criteria provided, single submitter. Criteria: ACMG Guidelines, 2015. Collection method: clinical testing. Allele origin: germline.

Center for Pediatric Genomic Medicine, Children's Mercy Hospital and Clinics
Classification: Likely benign. Last evaluated: 2017-01-24. Review status: criteria provided, single submitter. Criteria: ACMG Guidelines, 2015. Collection method: clinical testing. Allele origin: germline.
ClinVar note: Converted during submission from Likely Benign to Likely benign.

Laboratory for Molecular Medicine, Mass General Brigham Personalized Medicine
Classification: Benign. Last evaluated: 2015-10-11. Review status: criteria provided, single submitter. Criteria: LMM Criteria. Collection method: clinical testing. Allele origin: germline. Observed: 2 variant alleles.
Comment: c.2017-5T>G in intron 25 of COL11A2: This variant is not expected to have clinic al significance because it has been identified in 0.88% (133/15120) of South Asi an chromosomes by the Exome Aggregation Consortium (ExAC; dbSNP rs200523422).

Eurofins Ntd Llc (ga)
Classification: Uncertain significance. Last evaluated: 2015-02-04. Review status: criteria provided, single submitter. Criteria: EGL Classification Definitions 2015. Collection method: clinical testing. Allele origin: germline. Observed: 1 variant allele, 1 heterozygote.

PreventionGenetics, part of Exact Sciences
Classification: Likely benign for COL11A2-related condition. Last evaluated: 2020-03-18. Review status: no assertion criteria provided. Collection method: clinical testing. Allele origin: germline. Not counted in ClinVar's aggregate classification.
Comment: This variant is classified as likely benign based on ACMG/AMP sequence variant interpretation guidelines (Richards et al. 2015 PMID: 25741868, with internal and published modifications).

NM_080680.3(COL11A2):c.2017-5T>G

Gene: COL11A2 (collagen type XI alpha 2 chain; minus strand). Cytogenetic location: 6p21.32.
Variant type: single nucleotide variant.
Coding change: c.2017-5T>G on transcript NM_080680.3 (MANE Select); 5 bases into the intron before coding-DNA position 2017, T replaced by G.
Molecular consequence: intron variant.
Genome position (GRCh38, 1-based): chr6:33,177,050, A>C on the plus strand (T>G on the coding strand, the complement: COL11A2 is on the minus strand). VCF-style: chr6-33177050-A-C. GRCh37 (hg19) VCF-style: chr6-33144827-A-C.
Other names: c.1696-5T>G (NM_080679.3); c.1759-5T>G (NM_080681.3).
Identifiers: ClinVar variation 195909 (VCV000195909.26), dbSNP rs200523422, ClinGen allele CA242579.